The following is an entry in ClinVar:

ClinVar aggregate classification (germline): Uncertain significance. Review status: criteria provided, multiple submitters, no conflicts (2 of 4 stars). 6 submissions from 6 submitters: Uncertain significance (5). 1 of the submissions does not count toward it. Last evaluated 2025-12-01.

Conditions:
Inborn genetic diseases. Identifiers: MedGen C0950123, MeSH D030342.
Hepatic methionine adenosyltransferase deficiency. Also called: MAT I/III DEFICIENCY; Deficiency of methionine adenosyltransferase; Isolated Persistent Hypermethioninemia; Methionine adenosyltransferase deficiency. Identifiers: Orphanet 168598, MedGen C0268621, MeSH C564683, MONDO:0009607, OMIM 250850.

Allele frequency attached by ClinVar (database versions not stated): ExAC 0.00002; gnomAD exomes 0.00002 and 0.00005; TOPMed 0.00002; gnomAD 0.00004 and 0.00005.
gnomAD v4.1: 39 of 1,614,182 alleles (0.0024%); highest among the groups gnomAD compares: Admixed American, 0.03%; no homozygotes.

Submissions (7):

Labcorp Genetics (formerly Invitae), Labcorp
Classification: Uncertain significance for Hepatic methionine adenosyltransferase deficiency. Last evaluated: 2025-12-01. Review status: criteria provided, single submitter. Criteria: Invitae Variant Classification Sherloc (09022015). Collection method: clinical testing. Allele origin: germline.
Comment: This sequence change replaces arginine, which is basic and polar, with tryptophan, which is neutral and slightly polar, at codon 81 of the MAT1A protein (p.Arg81Trp). This variant is present in population databases (rs750570720, gnomAD 0.02%). This missense change has been observed in individual(s) with autosomal recessive hypermethioninemia (internal data). ClinVar contains an entry for this variant (Variation ID: 301190). Invitae Evidence Modeling of protein sequence and biophysical properties (such as structural, functional, and spatial information, amino acid conservation, physicochemical variation, residue mobility, and thermodynamic stability) indicates that this missense variant is not expected to disrupt MAT1A protein function with a negative predictive value of 80%. In summary, the available evidence is currently insufficient to determine the role of this variant in disease. Therefore, it has been classified as a Variant of Uncertain Significance.

Ambry Genetics
Classification: Uncertain significance for Inborn genetic diseases. Last evaluated: 2024-01-16. Review status: criteria provided, single submitter. Criteria: Ambry Variant Classification Scheme 2023. Collection method: clinical testing. Allele origin: germline.

GeneDx
Classification: Uncertain significance. Last evaluated: 2021-04-12. Review status: criteria provided, single submitter. Criteria: GeneDx Variant Classification Process June 2021. Collection method: clinical testing. Allele origin: germline. Affected: yes.
Comment: Missense variants in this gene are often considered pathogenic (Stenson et al., 2014); In silico analysis supports that this missense variant has a deleterious effect on protein structure/function; Has not been previously published as pathogenic or benign to our knowledge

Illumina Laboratory Services, Illumina
Classification: Uncertain significance for Hepatic methionine adenosyltransferase deficiency. Last evaluated: 2018-01-13. Review status: criteria provided, single submitter. Criteria: ICSL Variant Classification Criteria 13 December 2019. Collection method: clinical testing. Allele origin: germline.

ARUP Laboratories, Molecular Genetics and Genomics, ARUP Laboratories
Classification: Uncertain significance. Last evaluated: 2017-06-16. Review status: criteria provided, single submitter. Criteria: ARUP Molecular Germline Variant Investigation Process. Collection method: clinical testing. Allele origin: germline.
Comment: The p.Arg81Trp variant (rs750570720) has not been reported in the medical literature or gene specific variation databases but has been reported to ClinVar (Variation ID: 301190). This variant is listed in the Exome Aggregation Consortium Browser with an overall population frequency of 0.002 percent (identified on 2 out of 121,086 chromosomes). The arginine at position 81 is moderately conserved (considering 15 species) and computational analyses of the effects of the p.Arg81Trp variant on protein structure and function predict a deleterious effect (SIFT: damaging, MutationTaster: disease causing, PolyPhen-2: possibly damaging). Altogether, there is not enough evidence to classify the p.Arg81Trp variant with certainty.

Department of Pathology and Laboratory Medicine, Sinai Health System
Classification: Uncertain significance. Review status: no assertion criteria provided. Collection method: clinical testing. Allele origin: unknown. Affected: yes. Study: The Canadian Open Genetics Repository (COGR). Not counted in ClinVar's aggregate classification.
Comment: The MAT1A p.Arg81Trp variant was not identified in the literature nor was it identified in Cosmic or LOVD 3.0. The variant was identified in dbSNP (ID: rs750570720) and Clinvar (classified as a variant of uncertain significance by Illumina, Invitae and ARUP Laboratories for hepatic methionine adenosyltransferase deficiency). The variant was identified in control databases in 14 of 282762 chromosomes at a frequency of 0.00005 (Genome Aggregation Database Feb 27, 2017). The variant was observed in the following populations: Ashkenazi Jewish in 3 of 10366 chromosomes (freq: 0.000289), Latino in 9 of 35426 chromosomes (freq: 0.000254) and European (non-Finnish) in 2 of 129098 chromosomes (freq: 0.000015); it was not observed in the African, East Asian, European (Finnish), Other and South Asian populations. The variant occurs outside of the splicing consensus sequence and 3 of 4 in silico or computational prediction software programs (SpliceSiteFinder, NNSPLICE, GeneSplicer) do not predict a change in splicing. The p.Arg81 residue is conserved in mammals but not in more distantly related organisms, and four out of five computational analyses (PolyPhen-2, SIFT, BLOSUM, MutationTaster) suggest that the variant may impact the protein; however, this information is not predictive enough to assume pathogenicity. In summary, based on the above information the clinical significance of this variant cannot be determined with certainty at this time. This variant is classified as a variant of uncertain significance.

Dr. Peter K. Rogan Lab, Western University
No classification provided (evidence only). Condition: Adrenocortical carcinoma, hereditary. Review status: no classification provided. Collection method: in vitro. Allele origin: not applicable. Functional consequence: skipped exon, retained intron. Not counted in ClinVar's aggregate classification.

NM_000429.3(MAT1A):c.241C>T (p.Arg81Trp)

Gene: MAT1A (methionine adenosyltransferase 1A; minus strand). Cytogenetic location: 10q22.3.
Variant type: single nucleotide variant.
Coding change: c.241C>T on transcript NM_000429.3 (MANE Select); coding-DNA position 241, C replaced by T.
Protein change: p.Arg81Trp; replaces arginine 81 with tryptophan.
Molecular consequence: missense variant.
Genome position (GRCh38, 1-based): chr10:80,283,967, G>A on the plus strand (C>T on the coding strand, the complement: MAT1A is on the minus strand). VCF-style: chr10-80283967-G-A. GRCh37 (hg19) VCF-style: chr10-82043723-G-A.
Other names: short protein forms R81W.
Identifiers: ClinVar variation 301190 (VCV000301190.24), dbSNP rs750570720, ClinGen allele CA5576847.